The following is an entry in ClinVar:

ClinVar aggregate classification (germline): Uncertain significance (1 of 4 stars; one submission).

Submission:

Labcorp Genetics (formerly Invitae), Labcorp
Classification: Uncertain significance. Last evaluated: 2022-03-04. Review status: criteria provided, single submitter. Criteria: Invitae Variant Classification Sherloc (09022015). Collection method: clinical testing. Allele origin: germline.
Comment: This sequence change replaces alanine, which is neutral and non-polar, with serine, which is neutral and polar, at codon 931 of the DOCK6 protein (p.Ala931Ser). This variant is present in population databases (no rsID available, gnomAD 0.003%). This variant has not been reported in the literature in individuals affected with DOCK6-related conditions. Algorithms developed to predict the effect of missense changes on protein structure and function are either unavailable or do not agree on the potential impact of this missense change (SIFT: "Tolerated"; PolyPhen-2: "Possibly Damaging"; Align-GVGD: "Class C0"). In summary, the available evidence is currently insufficient to determine the role of this variant in disease. Therefore, it has been classified as a Variant of Uncertain Significance.

NM_020812.4(DOCK6):c.2791G>T (p.Ala931Ser)

Gene: DOCK6 (dedicator of cytokinesis 6; minus strand). Cytogenetic location: 19p13.2.
Variant type: single nucleotide variant.
Coding change: c.2791G>T on transcript NM_020812.4 (MANE Select); coding-DNA position 2791, G replaced by T.
Protein change: p.Ala931Ser; replaces alanine 931 with serine.
Molecular consequence: missense variant.
Genome position (GRCh38, 1-based): chr19:11,228,963, C>A on the plus strand (G>T on the coding strand, the complement: DOCK6 is on the minus strand). VCF-style: chr19-11228963-C-A. GRCh37 (hg19) VCF-style: chr19-11339639-C-A.
Other names: c.2896G>T, p.Ala966Ser (NM_001367830.1); short protein forms A966S, A931S.
Identifiers: ClinVar variation 1919375 (VCV001919375.5), dbSNP rs754257812, ClinGen allele CA404094057.